The following is an entry in ClinVar:

NM_002230.4(JUP):c.1351A>G (p.Ile451Val)

Gene: JUP (junction plakoglobin; minus strand). Cytogenetic location: 17q21.2.
Variant type: single nucleotide variant.
Coding change: c.1351A>G on transcript NM_002230.4 (MANE Select); coding-DNA position 1351, A replaced by G.
Protein change: p.Ile451Val; replaces isoleucine 451 with valine.
Molecular consequence: missense variant.
Genome position (GRCh38, 1-based): chr17:41,763,129, T>C on the plus strand (A>G on the coding strand, the complement: JUP is on the minus strand). VCF-style: chr17-41763129-T-C. GRCh37 (hg19) VCF-style: chr17-39919381-T-C.
Other names: c.1351A>G, p.Ile451Val (NM_001352773.2, NM_001352774.2, NM_001352775.2 and 3 more transcripts); short protein forms I451V.
Identifiers: ClinVar variation 2936583 (VCV002936583.1), dbSNP rs2544107983, ClinGen allele CA399496892.

ClinVar aggregate classification (germline): Uncertain significance (1 of 4 stars; one submission).

Conditions:
Naxos disease (NXD). Also called: KERATOSIS PALMOPLANTARIS WITH ARRHYTHMOGENIC CARDIOMYOPATHY; MAL DE NAXOS; PALMOPLANTAR KERATODERMA WITH ARRHYTHMOGENIC RIGHT VENTRICULAR CARDIOMYOPATHY AND WOOLLY HAIR; WOOLLY HAIR, PALMOPLANTAR KERATODERMA, AND CARDIAC ABNORMALITIES; CARDIOMYOPATHY, ARRHYTHMOGENIC RIGHT VENTRICULAR, WITH SKIN, HAIR, AND NAIL ABNORMALITIES. Identifiers: Orphanet 34217, MedGen C1832600, MONDO:0011017, OMIM 601214.
Arrhythmogenic right ventricular dysplasia 12. Also called: ARRHYTHMOGENIC RIGHT VENTRICULAR DYSPLASIA, FAMILIAL, 12. Identifiers: MedGen C1969081, MONDO:0012684, OMIM 611528.

Allele frequency attached by ClinVar (database versions not stated): gnomAD exomes below 0.00001.
gnomAD v4.1: 1 of 1,614,204 alleles (0.000062%); highest among the groups gnomAD compares: Non-Finnish European, 0.000085%; no homozygotes.

Submission:

Labcorp Genetics (formerly Invitae), Labcorp
Classification: Uncertain significance for Arrhythmogenic right ventricular dysplasia 12; Naxos disease. Last evaluated: 2022-11-06. Review status: criteria provided, single submitter. Criteria: Invitae Variant Classification Sherloc (09022015). Collection method: clinical testing. Allele origin: germline.
Comment: In summary, the available evidence is currently insufficient to determine the role of this variant in disease. Therefore, it has been classified as a Variant of Uncertain Significance. Algorithms developed to predict the effect of missense changes on protein structure and function (SIFT, PolyPhen-2, Align-GVGD) all suggest that this variant is likely to be tolerated. This variant has not been reported in the literature in individuals affected with JUP-related conditions. This variant is not present in population databases (gnomAD no frequency). This sequence change replaces isoleucine, which is neutral and non-polar, with valine, which is neutral and non-polar, at codon 451 of the JUP protein (p.Ile451Val).